The following is an entry in ClinVar:

ClinVar aggregate classification (germline): Benign/Likely benign. Review status: criteria provided, multiple submitters, no conflicts (2 of 4 stars). 4 submissions from 4 submitters: Benign (1); Likely benign (2). 1 of the submissions does not count toward it. Last evaluated 2026-01-26.

Conditions:
ITGB2-related disorder. Also called: ITGB2-related condition.
Leukocyte adhesion deficiency 1 (LAD1). Also called: LAD 1; Lymphocyte function-associated antigen 1 immunodeficiency; LFA 1 immunodeficiency; LEUKOCYTE ADHESION DEFICIENCY, TYPE I. Identifiers: Orphanet 2968, Orphanet 99842, MedGen C0398738, MONDO:0007293, OMIM 116920.

Allele frequency attached by ClinVar (database versions not stated): 1000 Genomes Project 0.00100; TOPMed 0.00127; ESP Exome Variant Server 0.00131; 1000 Genomes Project 30x 0.00156.

Submissions (4):

Labcorp Genetics (formerly Invitae), Labcorp
Classification: Benign for Leukocyte adhesion deficiency 1. Last evaluated: 2026-01-26. Review status: criteria provided, single submitter. Criteria: Invitae Variant Classification Sherloc (09022015). Collection method: clinical testing. Allele origin: germline.

CeGaT Center for Human Genetics Tuebingen
Classification: Likely benign. Last evaluated: 2025-05-01. Review status: criteria provided, single submitter. Criteria: CeGaT Center For Human Genetics Tuebingen Variant Classification Criteria Version 2. Collection method: clinical testing. Allele origin: germline. Affected: yes. Observed: 1 variant allele.
Comment: ITGB2: BP4, BS2

Blueprint Genetics
Classification: Likely benign. Last evaluated: 2023-10-04. Review status: criteria provided, single submitter. Criteria: ACMG Guidelines, 2015. Collection method: clinical testing. Allele origin: germline.

PreventionGenetics, part of Exact Sciences
Classification: Likely benign for ITGB2-related condition. Last evaluated: 2021-07-21. Review status: no assertion criteria provided. Collection method: clinical testing. Allele origin: germline. Not counted in ClinVar's aggregate classification.
Comment: This variant is classified as likely benign based on ACMG/AMP sequence variant interpretation guidelines (Richards et al. 2015 PMID: 25741868, with internal and published modifications).

NM_000211.5(ITGB2):c.13C>T (p.Arg5Cys)

Gene: ITGB2 (integrin subunit beta 2; minus strand). Cytogenetic location: 21q22.3.
Variant type: single nucleotide variant.
Coding change: c.13C>T on transcript NM_000211.5 (MANE Select); coding-DNA position 13, C replaced by T.
Protein change: p.Arg5Cys; replaces arginine 5 with cysteine.
Molecular consequence: missense variant. On other transcripts: 5 prime UTR variant (1).
Genome position (GRCh38, 1-based): chr21:44,910,770, G>A on the plus strand (C>T on the coding strand, the complement: ITGB2 is on the minus strand). VCF-style: chr21-44910770-G-A. GRCh37 (hg19) VCF-style: chr21-46330685-G-A.
Other names: c.13C>T, p.Arg5Cys (NM_001127491.3); c.-238C>T (NM_001303238.2); short protein forms R5C.
Identifiers: ClinVar variation 773094 (VCV000773094.24), dbSNP rs61737078, ClinGen allele CA10063495.